The following is an entry in ClinVar:

NM_032892.5(FRMD5):c.1017G>A (p.Pro339=)

Gene: FRMD5 (FERM domain containing 5; minus strand). Cytogenetic location: 15q15.3.
Variant type: single nucleotide variant.
Coding change: c.1017G>A on transcript NM_032892.5 (MANE Select); coding-DNA position 1017, G replaced by A.
Protein change: p.Pro339=; no amino-acid change (proline 339 retained).
Molecular consequence: synonymous variant. On other transcripts: non-coding transcript variant (1).
Genome position (GRCh38, 1-based): chr15:43,884,738, C>T on the plus strand (G>A on the coding strand, the complement: FRMD5 is on the minus strand). VCF-style: chr15-43884738-C-T. GRCh37 (hg19) VCF-style: chr15-44176936-C-T.
Other names: c.735G>A, p.Pro245= (NM_001286490.2); c.315G>A, p.Pro105= (NM_001286491.2); c.1017G>A, p.Pro339= (NM_001322949.2, NM_001322950.2, NM_001411124.1); c.912G>A, p.Pro304= (NM_001322951.2); c.1017G>A (NM_032892.4).
Identifiers: ClinVar variation 3770474 (VCV003770474.15).

ClinVar aggregate classification (germline): Likely benign. Review status: criteria provided, multiple submitters, no conflicts (2 of 4 stars). 3 submissions from 3 submitters: Likely benign (3). Last evaluated 2026-05-01.

Conditions:
FRMD5-related condition.

gnomAD v4.1: 5,618 of 1,613,914 alleles (0.35%); highest among the groups gnomAD compares: South Asian, 0.44%; 12 homozygotes.

Submissions (3):

CeGaT Center for Human Genetics Tuebingen
Classification: Likely benign. Last evaluated: 2026-05-01. Review status: criteria provided, single submitter. Criteria: CeGaT Center For Human Genetics Tuebingen Variant Classification Criteria Version 2. Collection method: clinical testing. Allele origin: germline. Affected: yes. Observed: 3 variant alleles.
Comment: FRMD5: BP4, BP7

PreventionGenetics, part of Exact Sciences
Classification: Likely benign for FRMD5-related condition. Last evaluated: 2025-08-20. Review status: criteria provided, single submitter. Criteria: ACMG Guidelines, 2015. Collection method: clinical testing. Allele origin: germline.
Comment: This variant is classified as likely benign based on ACMG/AMP sequence variant interpretation guidelines (Richards et al. 2015 PMID: 25741868, with internal and published modifications).

Blueprint Genetics
Classification: Likely benign. Last evaluated: 2024-11-26. Review status: criteria provided, single submitter. Criteria: ACMG Guidelines, 2015. Collection method: clinical testing. Allele origin: germline.